The following is an entry in ClinVar:

ClinVar aggregate classification (germline): Benign/Likely benign. Review status: criteria provided, multiple submitters, no conflicts (2 of 4 stars). 6 submissions from 6 submitters: Benign (5); Likely benign (1). Last evaluated 2026-05-11.

Conditions:
Thyroid dyshormonogenesis 1. Also called: THYROID HORMONOGENESIS, GENETIC DEFECT IN, 1; Familial thyroid dyshormonogenesis 1; HYPOTHYROIDISM, CONGENITAL, DUE TO DYSHORMONOGENESIS, 1; IODINE ACCUMULATION, TRANSPORT, OR TRAPPING DEFECT. Identifiers: Orphanet 95716, MedGen C1848805, MONDO:0020716, OMIM 274400.

Allele frequency attached by ClinVar (database versions not stated): ExAC 0.01180; ESP Exome Variant Server 0.03568; 1000 Genomes Project 0.03634; TOPMed 0.04391; gnomAD exomes 0.00973; gnomAD 0.04995 and 0.05215.
gnomAD v4.1: 11,788 of 835,266 alleles (1.4%); highest among the groups gnomAD compares: African/African-American, 18%; 607 homozygotes.

Submissions (6):

Women's Health and Genetics/Laboratory Corporation of America, LabCorp
Classification: Benign. Last evaluated: 2026-05-11. Review status: criteria provided, single submitter. Criteria: LabCorp Variant Classification Summary - May 2015. Collection method: clinical testing. Allele origin: germline.

Labcorp Genetics (formerly Invitae), Labcorp
Classification: Benign. Last evaluated: 2026-01-31. Review status: criteria provided, single submitter. Criteria: Invitae Variant Classification Sherloc (09022015). Collection method: clinical testing. Allele origin: germline.

Genomic Medicine Center of Excellence, King Faisal Specialist Hospital and Research Centre
Classification: Likely benign. Last evaluated: 2025-08-18. Review status: criteria provided, single submitter. Criteria: ACMG Guidelines, 2015. Collection method: clinical testing. Allele origin: germline.

Illumina Laboratory Services, Illumina
Classification: Benign for Thyroid dyshormonogenesis 1. Last evaluated: 2018-01-13. Review status: criteria provided, single submitter. Criteria: ICSL Variant Classification Criteria 13 December 2019. Collection method: clinical testing. Allele origin: germline.
Comment: This variant was observed in the ICSL laboratory as part of a predisposition screen in an ostensibly healthy population. It had not been previously curated by ICSL or reported in the Human Gene Mutation Database (HGMD: prior to June 1st, 2018), and was therefore a candidate for classification through an automated scoring system. Utilizing variant allele frequency, disease prevalence and penetrance estimates, and inheritance mode, an automated score was calculated to assess if this variant is too frequent to cause the disease. Based on the score and internal cut-off values, a variant classified as benign is not then subjected to further curation. The score for this variant resulted in a classification of benign for this disease.

Breakthrough Genomics
Classification: Benign. Review status: criteria provided, single submitter. Criteria: ACMG Guidelines, 2015. Collection method: not provided. Allele origin: germline. Inheritance: Autosomal recessive inheritance. Affected: yes.

PreventionGenetics, part of Exact Sciences
Classification: Benign. Review status: criteria provided, single submitter. Criteria: ACMG Guidelines, 2015. Collection method: clinical testing. Allele origin: germline.

NM_000453.3(SLC5A5):c.1326A>C (p.Thr442=)

Gene: SLC5A5 (solute carrier family 5 member 5; plus strand). Cytogenetic location: 19p13.11.
Variant type: single nucleotide variant.
Coding change: c.1326A>C on transcript NM_000453.3 (MANE Select); coding-DNA position 1326, A replaced by C.
Protein change: p.Thr442=; no amino-acid change (threonine 442 retained).
Molecular consequence: synonymous variant.
Genome position (GRCh38, 1-based): chr19:17,883,764, A>C. VCF-style: chr19-17883764-A-C. GRCh37 (hg19) VCF-style: chr19-17994573-A-C.
Identifiers: ClinVar variation 256195 (VCV000256195.12), dbSNP rs73520743, ClinGen allele CA9303119.